The following is an entry in ClinVar:

NM_152564.5(VPS13B):c.4947C>T (p.Ser1649=)

Gene: VPS13B (vacuolar protein sorting 13 homolog B; plus strand). Cytogenetic location: 8q22.2.
Variant type: single nucleotide variant.
Coding change: c.4947C>T on transcript NM_152564.5 (MANE Select); coding-DNA position 4947, C replaced by T.
Protein change: p.Ser1649=; no amino-acid change (serine 1649 retained).
Molecular consequence: synonymous variant.
Genome position (GRCh38, 1-based): chr8:99,556,651, C>T. VCF-style: chr8-99556651-C-T. GRCh37 (hg19) VCF-style: chr8-100568879-C-T.
Other names: c.4947C>T (NM_152564.4); c.5022C>T, p.Ser1674= (NM_017890.5).
Identifiers: ClinVar variation 908482 (VCV000908482.14), dbSNP rs985853073, ClinGen allele CA462446691.

ClinVar aggregate classification (germline): Uncertain significance. Review status: criteria provided, multiple submitters, no conflicts (2 of 4 stars). 4 submissions from 4 submitters: Uncertain significance (2). 2 of the submissions do not count toward it. Last evaluated 2022-07-05.

Conditions:
VPS13B-related disorder. Also called: VPS13B-related condition.
Cohen syndrome (COH1). Also called: Cutis verticis gyrata, retinitis pigmentosa, and sensorineural deafness; PEPPER SYNDROME. Identifiers: Orphanet 193, MedGen C0265223, MONDO:0008999, OMIM 216550.

Allele frequency attached by ClinVar (database versions not stated): gnomAD exomes below 0.00001; TOPMed 0.00001.
gnomAD v4.1: 18 of 1,612,444 alleles (0.0011%); highest among the groups gnomAD compares: African/African-American, 0.008%; no homozygotes.

Submissions (4):

Labcorp Genetics (formerly Invitae), Labcorp
Classification: Uncertain significance for Cohen syndrome. Last evaluated: 2022-07-05. Review status: criteria provided, single submitter. Criteria: Invitae Variant Classification Sherloc (09022015). Collection method: clinical testing. Allele origin: germline.
Comment: This sequence change affects codon 1674 of the VPS13B mRNA. It is a 'silent' change, meaning that it does not change the encoded amino acid sequence of the VPS13B protein. This variant is present in population databases (no rsID available, gnomAD 0.004%). This variant has not been reported in the literature in individuals affected with VPS13B-related conditions. ClinVar contains an entry for this variant (Variation ID: 908482). Algorithms developed to predict the effect of sequence changes on RNA splicing suggest that this variant may create or strengthen a splice site. In summary, the available evidence is currently insufficient to determine the role of this variant in disease. Therefore, it has been classified as a Variant of Uncertain Significance.

Illumina Laboratory Services, Illumina
Classification: Uncertain significance for Cohen syndrome. Last evaluated: 2018-01-13. Review status: criteria provided, single submitter. Criteria: ICSL Variant Classification Criteria 13 December 2019. Collection method: clinical testing. Allele origin: germline.

PreventionGenetics, part of Exact Sciences
Classification: Uncertain significance for VPS13B-related condition. Last evaluated: 2024-06-05. Review status: no assertion criteria provided. Collection method: clinical testing. Allele origin: germline. Not counted in ClinVar's aggregate classification.
Comment: The VPS13B c.4947C>T variant is not predicted to result in an amino acid change (p.=). To our knowledge, this variant has not been reported in the literature. This variant is reported in 0.0040% of alleles in individuals of African descent in gnomAD. At this time, the clinical significance of this variant is uncertain due to the absence of conclusive functional and genetic evidence.

Natera, Inc.
Classification: Uncertain significance for Cohen syndrome. Last evaluated: 2021-09-15. Review status: no assertion criteria provided. Collection method: clinical testing. Allele origin: germline. Not counted in ClinVar's aggregate classification.